The following is an entry in ClinVar:

ClinVar aggregate classification (germline): Pathogenic (1 of 4 stars; one submission).

Conditions:
Intellectual developmental disorder, X-linked 1. Also called: MENTAL RETARDATION, X-LINKED 18; MENTAL RETARDATION, X-LINKED 78; Atkin Flaitz Patil Smith syndrome; Intellectual disability, X-linked 1. Identifiers: Orphanet 777, MedGen C2931498, MONDO:0010656, OMIM 309530.

Submission:

Labcorp Genetics (formerly Invitae), Labcorp
Classification: Pathogenic for Intellectual developmental disorder, X-linked 1. Last evaluated: 2018-12-17. Review status: criteria provided, single submitter. Criteria: Invitae Variant Classification Sherloc (09022015). Collection method: clinical testing. Allele origin: germline.
Comment: This sequence change creates a premature translational stop signal (p.Phe1025Serfs*77) in the IQSEC2 gene. It is expected to result in an absent or disrupted protein product. This variant is not present in population databases (ExAC no frequency). This variant has not been reported in the literature in individuals with IQSEC2-related conditions. Loss-of-function variants in IQSEC2 are known to be pathogenic (PMID: 21686261, 26793055, 27665735). For these reasons, this variant has been classified as Pathogenic.

Literature cited by the submitters: PubMed 21686261; PubMed 26793055; PubMed 27665735.

NM_001111125.3(IQSEC2):c.3074del (p.Phe1025fs)

Gene: IQSEC2 (IQ motif and Sec7 domain ArfGEF 2; minus strand). Cytogenetic location: Xp11.22.
Variant type: Deletion.
Coding change: c.3074del on transcript NM_001111125.3 (MANE Select); coding-DNA position 3074, one base deleted (T; older notation c.3074delT).
Protein change: p.Phe1025fs; shifts the reading frame from phenylalanine 1025.
Molecular consequence: frameshift variant.
Genome position (GRCh38, 1-based): chrX:53,239,236, A deleted on the plus strand (T on the coding strand, the reverse complement: IQSEC2 is on the minus strand); the first of 3 consecutive A bases (chrX:53,239,236-53,239,238); deleting any one gives the same sequence. VCF-style (leftmost placement, unchanged base first): chrX-53239235-GA-G. GRCh37 (hg19) VCF-style: chrX-53268417-GA-G.
Other names: c.2459del, p.Phe820fs (NM_015075.2); c.3074delT (NM_001111125.2); short protein forms F1025fs, F820fs.
Identifiers: ClinVar variation 645830 (VCV000645830.7), dbSNP rs1602264294, ClinGen allele CA915951124.